The following is an entry in ClinVar:

ClinVar aggregate classification (germline): Likely benign. Review status: criteria provided, single submitter (1 of 4 stars). 2 submissions from 1 submitter: Likely benign (2). Last evaluated 2018-01-12.

Conditions:
Ocular cystinosis. Also called: Non-Nephropathic Cystinosis; Non-Nephropathic (Ocular) Cystinosis. Identifiers: Orphanet 213, Orphanet 411641, MedGen C2931013, MONDO:0009064, OMIM 219750.
Nephropathic cystinosis (CTNS). Also called: CYSTINOSIN, DEFECT OF; LYSOSOMAL CYSTINE TRANSPORT PROTEIN, DEFECT OF; Abderhalden Lignac Kaufmann disease; Abderhalden-Kaufmann-Lignac syndrome. Identifiers: Orphanet 213, Orphanet 411629, MedGen C2931187, MONDO:0100151, OMIM 219800.

Allele frequency attached by ClinVar (database versions not stated): TOPMed 0.00006; 1000 Genomes Project 0.00379; 1000 Genomes Project 30x 0.00406.
gnomAD v4.1: 238 of 231,548 alleles (0.1%); highest among the groups gnomAD compares: South Asian, 2.2%; 4 homozygotes.

Submissions (2):

Illumina Laboratory Services, Illumina
Classification: Likely benign for Nephropathic cystinosis. Last evaluated: 2018-01-12. Review status: criteria provided, single submitter. Criteria: ICSL Variant Classification Criteria 13 December 2019. Collection method: clinical testing. Allele origin: germline.
Comment: This variant was observed in the ICSL laboratory as part of a predisposition screen in an ostensibly healthy population. It had not been previously curated by ICSL or reported in the Human Gene Mutation Database (HGMD: prior to June 1st, 2018), and was therefore a candidate for classification through an automated scoring system. Utilizing variant allele frequency, disease prevalence and penetrance estimates, and inheritance mode, an automated score was calculated to assess if this variant is too frequent to cause the disease. Based on the score and internal cut-off values, a variant classified as likely benign is not then subjected to further curation. The score for this variant resulted in a classification of likely benign for this disease.

Illumina Laboratory Services, Illumina
Classification: Likely benign for Ocular cystinosis. Last evaluated: 2018-01-12. Review status: criteria provided, single submitter. Criteria: ICSL Variant Classification Criteria 13 December 2019. Collection method: clinical testing. Allele origin: germline.
Comment: the same text as in the submission from Illumina Laboratory Services, Illumina above.

NM_004937.2(CTNS):c.-476G>A

Genes: CTNS (cystinosin, lysosomal cystine transporter; plus strand), LOC130059980 (ATAC-STARR-seq lymphoblastoid active region 11511; plus strand). Cytogenetic location: 17p13.2.
Variant type: single nucleotide variant.
Coding change: c.-476G>A on transcript NM_004937.2; 476 bases upstream of the start codon, G replaced by A.
Molecular consequence: 5 prime UTR variant (on NM_001031681.3).
Genome position (GRCh38, 1-based): chr17:3,636,585, G>A. VCF-style: chr17-3636585-G-A. GRCh37 (hg19) VCF-style: chr17-3539879-G-A.
Other names: c.-353G>A (NM_001031681.3).
Identifiers: ClinVar variation 322817 (VCV000322817.7), dbSNP rs373260107, ClinGen allele CA10639456.